The following is an entry in ClinVar:

NM_001042492.3(NF1):c.40G>A (p.Val14Ile)

Genes: MIR4733HG (MIR4733 host gene; minus strand), NF1 (neurofibromin 1; plus strand), LOC111811965 (NF1 (neurofibromin 1) promoter region; plus strand). Cytogenetic location: 17q11.2.
Variant type: single nucleotide variant.
Coding change: c.40G>A on transcript NM_001042492.3 (MANE Select); coding-DNA position 40, G replaced by A.
Protein change: p.Val14Ile; replaces valine 14 with isoleucine.
Molecular consequence: missense variant. On other transcripts: non-coding transcript variant (1).
Genome position (GRCh38, 1-based): chr17:31,095,349, G>A. VCF-style: chr17-31095349-G-A. GRCh37 (hg19) VCF-style: chr17-29422367-G-A.
Other names: c.40G>A, p.Val14Ile (NM_000267.4, NM_001128147.3); short protein forms V14I.
Identifiers: ClinVar variation 3608293 (VCV003608293.2).
Genomic context (GRCh38, chr17:31,095,349, plus strand): 5'-CCCCCCGGCCGCGGGGAGGACATGGCCGCGCACAGGCCGGTGGAATGGGTCCAGGCCGTG[G>A]TCAGCCGCTTCGACGAGCAGGTAACCGGCCCGTGGCGGGCGGGAGGTGGGAGCGGAGTGG-3'
Protein context (NP_001035957.1, residues 4-24): HRPVEWVQAV[Val14Ile]SRFDEQLPIK

ClinVar aggregate classification (germline): Uncertain significance (1 of 4 stars; one submission).

Conditions:
Neurofibromatosis, type 1 (NF1). Also called: Peripheral type neurofibromatosis; NEUROFIBROMATOSIS, TYPE I, SOMATIC; VON RECKLINGHAUSEN DISEASE; Neurofibromatosis, type I. Identifiers: Orphanet 636, MedGen C0027831, MONDO:0018975, OMIM 162200. Disease mechanism: loss of function.

Submission:

Labcorp Genetics (formerly Invitae), Labcorp
Classification: Uncertain significance for Neurofibromatosis, type 1. Last evaluated: 2024-03-27. Review status: criteria provided, single submitter. Criteria: Invitae Variant Classification Sherloc (09022015). Collection method: clinical testing. Allele origin: germline.
Comment: This sequence change replaces valine, which is neutral and non-polar, with isoleucine, which is neutral and non-polar, at codon 14 of the NF1 protein (p.Val14Ile). This variant is not present in population databases (gnomAD no frequency). This variant has not been reported in the literature in individuals affected with NF1-related conditions. Advanced modeling of protein sequence and biophysical properties (such as structural, functional, and spatial information, amino acid conservation, physicochemical variation, residue mobility, and thermodynamic stability) performed at Invitae indicates that this missense variant is not expected to disrupt NF1 protein function with a negative predictive value of 95%. In summary, the available evidence is currently insufficient to determine the role of this variant in disease. Therefore, it has been classified as a Variant of Uncertain Significance.